The following is an entry in ClinVar:

NM_133433.4(NIPBL):c.-80+5del

Gene: NIPBL (NIPBL cohesin loading factor; plus strand). Cytogenetic location: 5p13.2.
Variant type: Deletion.
Coding change: c.-80+5del on transcript NM_133433.4 (MANE Select); 5 bases into the intron after 80 bases upstream of the start codon, one base deleted (A; older notation c.-80+5delA).
Molecular consequence: intron variant.
Genome position (GRCh38, 1-based): chr5:36,877,183, A deleted; the last of 3 consecutive A bases (chr5:36,877,181-36,877,183); deleting any one gives the same sequence. VCF-style (leftmost placement, unchanged base first): chr5-36877180-TA-T. GRCh37 (hg19) VCF-style: chr5-36877282-TA-T.
Other names: c.-80+5delA (NM_133433.3); c.-80+5del (NM_015384.5).
Identifiers: ClinVar variation 422057 (VCV000422057.26), dbSNP rs532015680, ClinGen allele CA16618199.

ClinVar aggregate classification (germline): Likely benign. Review status: criteria provided, multiple submitters, no conflicts (2 of 4 stars). 3 submissions from 3 submitters: Likely benign (3). Last evaluated 2024-10-04.

Submissions (3):

Blueprint Genetics
Classification: Likely benign. Last evaluated: 2024-10-04. Review status: criteria provided, single submitter. Criteria: ACMG Guidelines, 2015. Collection method: clinical testing. Allele origin: germline.

CeGaT Center for Human Genetics Tuebingen
Classification: Likely benign. Last evaluated: 2023-01-01. Review status: criteria provided, single submitter. Criteria: CeGaT Center For Human Genetics Tuebingen Variant Classification Criteria Version 2. Collection method: clinical testing. Allele origin: germline. Affected: yes. Observed: 1 variant allele.
Comment: NIPBL: BS1

GeneDx
Classification: Likely benign. Last evaluated: 2017-11-07. Review status: criteria provided, single submitter. Criteria: GeneDx Variant Classification (06012015). Collection method: clinical testing. Allele origin: germline. Affected: yes.
Comment: This variant is considered likely benign or benign based on one or more of the following criteria: it is a conservative change, it occurs at a poorly conserved position in the protein, it is predicted to be benign by multiple in silico algorithms, and/or has population frequency not consistent with disease.